The following is an entry in ClinVar:

NM_025136.4(OPA3):c.472G>A (p.Glu158Lys)

Genes: OPA3 (outer mitochondrial membrane lipid metabolism regulator OPA3; minus strand), OPA3-RTN2 (OPA3-RTN2 readthrough; minus strand). Cytogenetic location: 19q13.32.
Variant type: single nucleotide variant.
Coding change: c.472G>A on transcript NM_025136.4 (MANE Select); coding-DNA position 472, G replaced by A.
Protein change: p.Glu158Lys; replaces glutamic acid 158 with lysine.
Molecular consequence: missense variant. On other transcripts: intron variant (1).
Genome position (GRCh38, 1-based): chr19:45,553,582, C>T on the plus strand (G>A on the coding strand, the complement: OPA3 is on the minus strand). VCF-style: chr19-45553582-C-T. GRCh37 (hg19) VCF-style: chr19-46056840-C-T.
Other names: c.143-24126G>A (NM_001017989.3); short protein forms E158K.
Identifiers: ClinVar variation 1924666 (VCV001924666.5), dbSNP rs1969371196, ClinGen allele CA406369838.

ClinVar aggregate classification (germline): Uncertain significance (1 of 4 stars; one submission).

Conditions:
Optic atrophy 3 (OPA3). Also called: Optic atrophy, cataract, and neurologic disorder; OPTIC ATROPHY 3, AUTOSOMAL DOMINANT; Optic atrophy 3 with cataract. Identifiers: Orphanet 67036, MedGen C1833809, MONDO:0008133, OMIM 165300.
3-Methylglutaconic aciduria type 3 (MGCA3). Also called: OPA3, AUTOSOMAL RECESSIVE; OPTIC ATROPHY 3, AUTOSOMAL RECESSIVE; OPA3-Related 3-Methylglutaconic Aciduria; Costeff Syndrome. Identifiers: Orphanet 67047, MedGen C0574084, MONDO:0009787, OMIM 258501.

Allele frequency attached by ClinVar (database versions not stated): TOPMed below 0.00001.

Submission:

Labcorp Genetics (formerly Invitae), Labcorp
Classification: Uncertain significance for 3-Methylglutaconic aciduria type 3; Optic atrophy 3. Last evaluated: 2021-12-19. Review status: criteria provided, single submitter. Criteria: Invitae Variant Classification Sherloc (09022015). Collection method: clinical testing. Allele origin: germline.
Comment: This variant has not been reported in the literature in individuals affected with OPA3-related conditions. In summary, the available evidence is currently insufficient to determine the role of this variant in disease. Therefore, it has been classified as a Variant of Uncertain Significance. Algorithms developed to predict the effect of missense changes on protein structure and function are either unavailable or do not agree on the potential impact of this missense change (SIFT: "Deleterious"; PolyPhen-2: "Probably Damaging"; Align-GVGD: "Class C0"). This variant is not present in population databases (gnomAD no frequency). This sequence change replaces glutamic acid, which is acidic and polar, with lysine, which is basic and polar, at codon 158 of the OPA3 protein (p.Glu158Lys).